The following is an entry in ClinVar:

NM_004558.5(NRTN):c.270G>C (p.Arg90=)

Gene: NRTN (neurturin; plus strand). Cytogenetic location: 19p13.3.
Variant type: single nucleotide variant.
Coding change: c.270G>C on transcript NM_004558.5 (MANE Select); coding-DNA position 270, G replaced by C.
Protein change: p.Arg90=; no amino-acid change (arginine 90 retained).
Molecular consequence: synonymous variant.
Genome position (GRCh38, 1-based): chr19:5,827,849, G>C. VCF-style: chr19-5827849-G-C. GRCh37 (hg19) VCF-style: chr19-5827860-G-C.
Identifiers: ClinVar variation 3350525 (VCV003350525.1).

ClinVar aggregate classification (germline): Likely benign (0 of 4 stars; one submission).

Conditions:
NRTN-related disorder. Also called: NRTN-related condition.

Submission:

PreventionGenetics, part of Exact Sciences
Classification: Likely benign for NRTN-related condition. Last evaluated: 2024-06-05. Review status: no assertion criteria provided. Collection method: clinical testing. Allele origin: germline.
Comment: This variant is classified as likely benign based on ACMG/AMP sequence variant interpretation guidelines (Richards et al. 2015 PMID: 25741868, with internal and published modifications).